The following is an entry in ClinVar:

ClinVar aggregate classification (germline): Uncertain significance (0 of 4 stars; one submission).

Conditions:
GNAS-related disorder. Identifiers: MedGen CN380105.

Submission:

PreventionGenetics, part of Exact Sciences
Classification: Uncertain significance for GNAS-related condition. Last evaluated: 2024-03-20. Review status: no assertion criteria provided. Collection method: clinical testing. Allele origin: germline.
Comment: The GNAS c.1307_1376delinsACGCCCCAGCCGATCCCGACTCCGGGGCGGTCCCTGACGCCCCAGCCGATCCCGACTCCGGGGCGGCCCCTGACGCCCCAGCCGATCCCGACTCCGGGGCGGCCCG variant is predicted to result in an in-frame deletion and insertion. Of note, this variant occurs exon 1 of NM_080425.3, but is in a pre-coding region in the more commonly reported isoform, NM_000516. To our knowledge, this variant has not been reported in the literature or in a large population database, indicating this variant is rare. This variant occurs in a repetitive region including a repeat of CCAGCCGATCCTGACTCCGGGC. At this time, the clinical significance of this variant is uncertain due to the absence of conclusive functional and genetic evidence.

NM_080425.4(GNAS):c.1307_1376delinsACGCCCCAGCCGATCCCGACTCCGGGGCGGTCCCTGACGCCCCAGCCGATCCCGACTCCGGGGCGGCCCCTGACGCCCCAGCCGATCCCGACTCCGGGGCGGCCCG (p.Ala436_Pro459delinsAspAlaProAlaAspProAspSerGlyAlaValProAspAlaProAlaAspProAspSerGlyAlaAlaProAspAlaProAlaAspProAspSerGlyAlaAlaArg)

Gene: GNAS (GNAS complex locus; plus strand). Cytogenetic location: 20q13.32.
Variant type: Indel.
Coding change: c.1307_1376delinsACGCCCCAGCCGATCCCGACTCCGGGGCGGTCCCTGACGCCCCAGCCGATCCCGACTCCGGGGCGGCCCCTGACGCCCCAGCCGATCCCGACTCCGGGGCGGCCCG on transcript NM_080425.4 (MANE Plus Clinical); coding-DNA positions 1307 to 1376, the reference bases replaced by an inserted sequence.
Protein change: p.Ala436_Pro459delinsAspAlaProAlaAspProAspSerGlyAlaValProAspAlaProAlaAspProAspSerGlyAlaAlaProAspAlaProAlaAspProAspSerGlyAlaAlaArg.
Molecular consequence: inframe indel. On other transcripts: intron variant (3).
Genome position (GRCh38, 1-based): chr20:58,854,572-58,854,641, 70 bases replaced. GRCh37 (hg19): chr20:57,429,627-57,429,696.
Other names: c.1120_1189delinsACGCCCCAGCCGATCCCGACTCCGGGGCGGTCCCTGACGCCCCAGCCGATCCCGACTCCGGGGCGGCCCCTGACGCCCCAGCCGATCCCGACTCCGGGGCGGCCCG, p.Pro374_Leu397delinsThrProGlnProIleProThrProGlyArgSerLeuThrProGlnProIleProThrProGlyArgProLeuThrProGlnProIleProThrProGlyArgProVal (NM_001077490.3, NM_001309883.1); c.1307_1376delinsACGCCCCAGCCGATCCCGACTCCGGGGCGGTCCCTGACGCCCCAGCCGATCCCGACTCCGGGGCGGCCCCTGACGCCCCAGCCGATCCCGACTCCGGGGCGGCCCG, p.Ala436_Pro459delinsAspAlaProAlaAspProAspSerGlyAlaValProAspAlaProAlaAspProAspSerGlyAlaAlaProAspAlaProAlaAspProAspSerGlyAlaAlaArg (NM_001410913.1); c.*42+13686_*42+13755delinsACGCCCCAGCCGATCCCGACTCCGGGGCGGTCCCTGACGCCCCAGCCGATCCCGACTCCGGGGCGGCCCCTGACGCCCCAGCCGATCCCGACTCCGGGGCGGCCCG (NM_016592.5); c.43+13686_43+13755delinsACGCCCCAGCCGATCCCGACTCCGGGGCGGTCCCTGACGCCCCAGCCGATCCCGACTCCGGGGCGGCCCCTGACGCCCCAGCCGATCCCGACTCCGGGGCGGCCCG (NM_001410912.1); c.-39+12697_-39+12766delinsACGCCCCAGCCGATCCCGACTCCGGGGCGGTCCCTGACGCCCCAGCCGATCCCGACTCCGGGGCGGCCCCTGACGCCCCAGCCGATCCCGACTCCGGGGCGGCCCG (NM_001309861.2).
Identifiers: ClinVar variation 3349639 (VCV003349639.1).